The following is an entry in ClinVar:

ClinVar aggregate classification (germline): Uncertain significance (1 of 4 stars; one submission).

gnomAD v4.1: 18 of 1,613,778 alleles (0.0011%); highest among the groups gnomAD compares: Non-Finnish European, 0.0014%; no homozygotes.

Submission:

Labcorp Genetics (formerly Invitae), Labcorp
Classification: Uncertain significance. Last evaluated: 2025-12-26. Review status: criteria provided, single submitter. Criteria: Invitae Variant Classification Sherloc (09022015). Collection method: clinical testing. Allele origin: germline.
Comment: This sequence change replaces cysteine, which is neutral and slightly polar, with arginine, which is basic and polar, at codon 497 of the TMPRSS6 protein (p.Cys497Arg). This variant is not present in population databases (gnomAD no frequency). This variant has not been reported in the literature in individuals affected with TMPRSS6-related conditions. Invitae Evidence Modeling of protein sequence and biophysical properties (such as structural, functional, and spatial information, amino acid conservation, physicochemical variation, residue mobility, and thermodynamic stability) indicates that this missense variant is expected to disrupt TMPRSS6 protein function with a positive predictive value of 80%. In summary, the available evidence is currently insufficient to determine the role of this variant in disease. Therefore, it has been classified as a Variant of Uncertain Significance.

NM_001374504.1(TMPRSS6):c.1462T>C (p.Cys488Arg)

Gene: TMPRSS6 (transmembrane serine protease 6; minus strand). Cytogenetic location: 22q12.3.
Variant type: single nucleotide variant.
Coding change: c.1462T>C on transcript NM_001374504.1 (MANE Select); coding-DNA position 1462, T replaced by C.
Protein change: p.Cys488Arg; replaces cysteine 488 with arginine.
Molecular consequence: missense variant.
Genome position (GRCh38, 1-based): chr22:37,073,625, A>G on the plus strand (T>C on the coding strand, the complement: TMPRSS6 is on the minus strand). VCF-style: chr22-37073625-A-G. GRCh37 (hg19) VCF-style: chr22-37469665-A-G.
Other names: c.1462T>C, p.Cys488Arg (NM_001289000.2, NM_001289001.2, NM_153609.4); short protein forms C488R.
Identifiers: ClinVar variation 4707224 (VCV004707224.1).